The following is an entry in ClinVar:

ClinVar aggregate classification (germline): Pathogenic/Likely pathogenic. Review status: criteria provided, multiple submitters, no conflicts (2 of 4 stars). 2 submissions from 2 submitters: Pathogenic (1); Likely pathogenic (1). Last evaluated 2026-02-05.

Conditions:
Autosomal recessive limb-girdle muscular dystrophy type 2J (LGMDR10). Also called: Limb-girdle muscular dystrophy, type 2J; MUSCULAR DYSTROPHY, LIMB-GIRDLE, AUTOSOMAL RECESSIVE 10. Identifiers: Orphanet 140922, MedGen C1837342, MONDO:0012127, OMIM 608807.
Dilated cardiomyopathy 1G (CMD1G). Identifiers: Orphanet 154, MedGen C1858763, MONDO:0011400, OMIM 604145.

Submissions (2):

Dasa
Classification: Pathogenic. Last evaluated: 2026-02-05. Review status: criteria provided, single submitter. Criteria: DASA Assertion Criteria. Collection method: clinical testing. Allele origin: germline.
Comment: NM_001267550.2(TTN):c.103411C>T (p.Arg34471*) introduces a premature termination codon predicted to result in loss of normal protein function. Loss-of-function is an established mechanism of disease for this gene. This variant has been reported in individuals with related phenotype (PMID: 35653365). The variant is present at low frequency in population datasets. Based on the available data, this variant is classified as pathogenic.

Labcorp Genetics (formerly Invitae), Labcorp
Classification: Likely pathogenic for Dilated cardiomyopathy 1G; Autosomal recessive limb-girdle muscular dystrophy type 2J. Last evaluated: 2024-02-17. Review status: criteria provided, single submitter. Criteria: Invitae Variant Classification Sherloc (09022015). Collection method: clinical testing. Allele origin: germline.
Comment: This sequence change creates a premature translational stop signal (p.Arg34471*) in the TTN gene. While this is not anticipated to result in nonsense mediated decay, it is expected to create a truncated TTN protein. This variant is present in population databases (rs201490616, gnomAD 0.01%). This premature translational stop signal has been observed in individual(s) with dilated cardiomyopathy (PMID: 35653365). This variant is located in the M band of TTN (PMID: 25589632). Truncating variants in this region have been previously reported in individuals affected with autosomal recessive myopathy and muscular dystrophy (PMID: 18948003, 23975875, 24395473). Truncating variants in this region have also been identified in individuals affected with autosomal dominant dilated cardiomyopathy and/or cardio-related conditions (PMID: 27869827, 32964742, Invitae internal data). In summary, the currently available evidence indicates that the variant is pathogenic, but additional data are needed to prove that conclusively. Therefore, this variant has been classified as Likely Pathogenic.

Literature cited by the submitters: PubMed 35653365 (cited by Dasa and Labcorp Genetics (formerly Invitae), Labcorp); PubMed 25589632 (cited by Labcorp Genetics (formerly Invitae), Labcorp); PubMed 18948003 (cited by Labcorp Genetics (formerly Invitae), Labcorp); PubMed 23975875 (cited by Labcorp Genetics (formerly Invitae), Labcorp); PubMed 24395473 (cited by Labcorp Genetics (formerly Invitae), Labcorp); PubMed 27869827 (cited by Labcorp Genetics (formerly Invitae), Labcorp); PubMed 32964742 (cited by Labcorp Genetics (formerly Invitae), Labcorp).

NM_001267550.2(TTN):c.103411C>T (p.Arg34471Ter)

Genes: TTN (titin; minus strand), TTN-AS1 (TTN antisense RNA 1; plus strand). Cytogenetic location: 2q31.2.
Variant type: single nucleotide variant.
Coding change: c.103411C>T on transcript NM_001267550.2 (MANE Select); coding-DNA position 103411, C replaced by T.
Protein change: p.Arg34471Ter; replaces arginine 34471 with a stop codon.
Molecular consequence: nonsense.
Genome position (GRCh38, 1-based): chr2:178,533,204, G>A on the plus strand (C>T on the coding strand, the complement: TTN is on the minus strand). VCF-style: chr2-178533204-G-A. GRCh37 (hg19) VCF-style: chr2-179397931-G-A.
Other names: c.98488C>T, p.Arg32830Ter (NM_001256850.1); c.76216C>T, p.Arg25406Ter (NM_003319.4); c.95707C>T, p.Arg31903Ter (NM_133378.4); c.76591C>T, p.Arg25531Ter (NM_133432.3); c.76792C>T, p.Arg25598Ter (NM_133437.4); short protein forms R25406*, R25531*, R25598*, R31903*, R32830*, R34471*.
Identifiers: ClinVar variation 3748054 (VCV003748054.3).